The following is an entry in ClinVar:

ClinVar aggregate classification (germline): Conflicting classifications of pathogenicity. Review status: criteria provided, conflicting classifications (1 of 4 stars). 4 submissions from 4 submitters: Uncertain significance (3); Likely benign (1). Last evaluated 2026-09-12.

Conditions:
Intellectual disability and myopathy syndrome (IDMYS). Identifiers: MedGen C5676904, MONDO:0859224, OMIM 619719.
Atrial fibrillation, familial, 12 (ATFB12). Identifiers: MedGen C3279695, MONDO:0013545, OMIM 614050.
Dilated cardiomyopathy 1O (CMD1O). Also called: CARDIOMYOPATHY, DILATED, WITH VENTRICULAR TACHYCARDIA. Identifiers: Orphanet 154, MedGen C1837839, MONDO:0012062, OMIM 608569.
Hypertrichotic osteochondrodysplasia Cantu type. Also called: Cantú Syndrome; Cantu Syndrome. Identifiers: Orphanet 1517, MedGen C0795905, MONDO:0009406, OMIM 239850.
Cardiovascular phenotype. Identifiers: MedGen CN230736.

Allele frequency attached by ClinVar (database versions not stated): gnomAD 0.00001; gnomAD exomes 0.00001; TOPMed 0.00001.
gnomAD v4.1: 12 of 1,610,196 alleles (0.00075%); highest among the groups gnomAD compares: Non-Finnish European, 0.001%; no homozygotes.

Submissions (4):

Ambry Genetics
Classification: Uncertain significance for Cardiovascular phenotype. Last evaluated: 2026-09-12. Review status: criteria provided, single submitter. Criteria: Ambry Variant Classification Scheme 2023. Collection method: clinical testing. Allele origin: germline.
Comment: The p.I1397V variant (also known as c.4189A>G), located in coding exon 34 of the ABCC9 gene, results from an A to G substitution at nucleotide position 4189. The isoleucine at codon 1397 is replaced by valine, an amino acid with highly similar properties. This amino acid position is conserved. In addition, this alteration is predicted to be tolerated by in silico analysis. Based on the available evidence, the clinical significance of this variant remains unclear.

Labcorp Genetics (formerly Invitae), Labcorp
Classification: Uncertain significance for Dilated cardiomyopathy 1O. Last evaluated: 2026-01-09. Review status: criteria provided, single submitter. Criteria: Invitae Variant Classification Sherloc (09022015). Collection method: clinical testing. Allele origin: germline.
Comment: This sequence change replaces isoleucine, which is neutral and non-polar, with valine, which is neutral and non-polar, at codon 1397 of the ABCC9 protein (p.Ile1397Val). This variant is present in population databases (no rsID available, gnomAD 0.002%). This variant has not been reported in the literature in individuals affected with ABCC9-related conditions. ClinVar contains an entry for this variant (Variation ID: 806842). Invitae Evidence Modeling of protein sequence and biophysical properties (such as structural, functional, and spatial information, amino acid conservation, physicochemical variation, residue mobility, and thermodynamic stability) indicates that this missense variant is not expected to disrupt ABCC9 protein function with a negative predictive value of 95%. In summary, the available evidence is currently insufficient to determine the role of this variant in disease. Therefore, it has been classified as a Variant of Uncertain Significance.

Blueprint Genetics
Classification: Likely benign. Last evaluated: 2023-02-15. Review status: criteria provided, single submitter. Criteria: ACMG Guidelines, 2015. Collection method: clinical testing. Allele origin: germline.

Fulgent Genetics
Classification: Uncertain significance for Hypertrichotic osteochondrodysplasia Cantu type; Dilated cardiomyopathy 1O; Atrial fibrillation, familial, 12; Intellectual disability and myopathy syndrome. Last evaluated: 2021-08-03. Review status: criteria provided, single submitter. Criteria: ACMG Guidelines, 2015. Collection method: clinical testing. Allele origin: unknown.

NM_020297.4(ABCC9):c.4189A>G (p.Ile1397Val)

Genes: ABCC9 (ATP binding cassette subfamily C member 9; minus strand), KCNJ8-AS1 (KCNJ8 antisense RNA 1; plus strand). Cytogenetic location: 12p12.1.
Variant type: single nucleotide variant.
Coding change: c.4189A>G on transcript NM_020297.4 (MANE Select); coding-DNA position 4189, A replaced by G.
Protein change: p.Ile1397Val; replaces isoleucine 1397 with valine.
Molecular consequence: missense variant.
Genome position (GRCh38, 1-based): chr12:21,812,071, T>C on the plus strand (A>G on the coding strand, the complement: ABCC9 is on the minus strand). VCF-style: chr12-21812071-T-C. GRCh37 (hg19) VCF-style: chr12-21965005-T-C.
Other names: c.4189A>G (NM_005691.2); c.4189A>G, p.Ile1397Val (NM_001377273.1, NM_005691.4); c.3322A>G, p.Ile1108Val (NM_001377274.1); short protein forms I1397V, I1108V.
Identifiers: ClinVar variation 806842 (VCV000806842.23), dbSNP rs1162169303, ClinGen allele CA384134810.